The following continues an entry in ClinVar:

NM_000051.4(ATM):c.5278A>G (p.Met1760Val)

Gene: ATM. ClinVar aggregate classification (germline): Uncertain significance. Uncertain significance (15).

Submissions 12 to 17 of 17:

Women's Health and Genetics/Laboratory Corporation of America, LabCorp
Classification: Uncertain significance. Last evaluated: 2023-02-13. Review status: criteria provided, single submitter. Criteria: LabCorp Variant Classification Summary - May 2015. Collection method: clinical testing. Allele origin: germline.
Comment: Variant summary: ATM c.5278A>G (p.Met1760Val) results in a conservative amino acid change in the encoded protein sequence. Four of five in-silico tools predict a benign effect of the variant on protein function. The variant allele was found at a frequency of 2e-05 in 251146 control chromosomes (gnomAD). The available data on variant occurrences in the general population are insufficient to allow any conclusion about variant significance. c.5278A>G has been reported in the literature in individuals with personal or family history of Breast Cancer and other tumor phenotypes (Pearlman_2016, Ritterhouse_2016, Bonache_2018, Lerner-Ellis_2020, Dalmasso_2021, Dorling_2021), however it was also reported in 1/2559 African American women, older than 70 years who have never had cancer (in the FLOSSIES database). These reports do not provide unequivocal conclusions about association of the variant with Breast Cancer. To our knowledge, no experimental evidence demonstrating an impact on protein function has been reported. Eight ClinVar submitters have assessed the variant since 2014: all submitters classified the variant as uncertain significance. Based on the evidence outlined above, the variant was classified as uncertain significance.

Sema4
Classification: Uncertain significance for Hereditary cancer-predisposing syndrome. Last evaluated: 2022-01-12. Review status: criteria provided, single submitter. Criteria: Sema4 Curation Guidelines. Collection method: curation. Allele origin: germline.
Comment: The ATM c.5278A>G (p.M1760V) variant has been reported in heterozygosity in at least one individual with colorectal cancer, in at least four individuals with breast cancer, and in unaffected control individuals (PMID: 27978560, 31784482, 33471991). Tumors found in the colorectal cancer patient exhibited mismatch repair proficiency (PMID: 27978560). It was observed in 6/282536 chromosomes in the large and broad cohorts of the Genome Aggregation Database (PMID: 32461654). This variant has been reported in ClinVar (Variation ID: 233341). Functional studies have not been performed, and in silico predictions of the variant's effect on protein function are inconclusive. Based on the current evidence available, this variant is interpreted as a variant of uncertain significance.

Mayo Clinic Laboratories, Mayo Clinic
Classification: Uncertain significance. Last evaluated: 2020-03-30. Review status: criteria provided, single submitter. Criteria: ACMG Guidelines, 2015. Collection method: clinical testing. Allele origin: germline. Observed: 1 variant allele.

Fulgent Genetics
Classification: Uncertain significance for Familial cancer of breast; Ataxia-telangiectasia syndrome. Last evaluated: 2018-10-31. Review status: criteria provided, single submitter. Criteria: ACMG Guidelines, 2015. Collection method: clinical testing. Allele origin: unknown.

Natera, Inc.
Classification: Uncertain significance for Ataxia-telangiectasia. Last evaluated: 2020-07-11. Review status: no assertion criteria provided. Collection method: clinical testing. Allele origin: germline. Not counted in ClinVar's aggregate classification.

Department of Pathology and Laboratory Medicine, Sinai Health System
Classification: Uncertain significance for Malignant tumor of breast. Review status: no assertion criteria provided. Collection method: clinical testing. Allele origin: unknown. Affected: yes. Observed: 1 variant allele. Study: The Canadian Open Genetics Repository (COGR). Not counted in ClinVar's aggregate classification.
Comment: The ATM p.Met1760Val variant was identified in 1 of 900 proband chromosomes (frequency: 0.0011) from individuals or families with colon cancer (Pearlman 2016). The variant was also identified in dbSNP (ID: rs151327241) as â€šÃ„ÃºWith Uncertain significance alleleâ€šÃ„Ã¹, ClinVar (as uncertain significance by Ambry Genetics, Invitae, and GeneDx), and Clinvitae (as uncertain significance). The variant was not identified in Cosmic, MutDB, and LOVD 3.0 databases. The variant was identified in control databases in 4 of 276862 chromosomes at a frequency of 0.000014 in the following population: European (Non-Finnish) in 4 of 426406 chromosomes (freq. 0.00003), increasing the likelihood that this may be a low frequency benign variant in certain populations of origin (Genome Aggregation Consortium Feb 27, 2017). The p.Met1760Val residue is conserved in mammals but not in more distantly related organisms however four out of five computational analyses (PolyPhen-2, SIFT, AlignGVGD, BLOSUM, MutationTaster) do not suggest a high likelihood of impact to the protein; this information is not predictive enough to rule out pathogenicity. The variant occurs outside of the splicing consensus sequence and in silico or computational prediction software programs (SpliceSiteFinder, MaxEntScan, NNSPLICE, GeneSplicer, HumanSpliceFinder) do not predict a difference in splicing. The variant is located with the Armadillo-type fold functional domain(s) increasing the likelihood that it may have clinical significance. In summary, based on the above information the clinical significance of this variant cannot be determined with certainty at this time. This variant is classified as a variant of uncertain significance.

Literature cited by the submitters: PubMed 27978560 (cited by 6 submitters); PubMed 29641532 (cited by Ambry Genetics); PubMed 33471991 (cited by 5 submitters); PubMed 30306255 (cited by Labcorp Genetics (formerly Invitae), Labcorp and Women's Health and Genetics/Laboratory Corporation of America, LabCorp); PubMed 31784482 (cited by 4 submitters); PubMed 34262154 (cited by 4 submitters); PubMed 27150160 (cited by Quest Diagnostics Nichols Institute San Juan Capistrano and Women's Health and Genetics/Laboratory Corporation of America, LabCorp); PubMed 34326862 (cited by Quest Diagnostics Nichols Institute San Juan Capistrano).